The following is an entry in ClinVar:

NM_016169.4(SUFU):c.1210A>G (p.Met404Val)

Gene: SUFU (SUFU negative regulator of hedgehog signaling; plus strand). Cytogenetic location: 10q24.32.
Variant type: single nucleotide variant.
Coding change: c.1210A>G on transcript NM_016169.4 (MANE Select); coding-DNA position 1210, A replaced by G.
Protein change: p.Met404Val; replaces methionine 404 with valine.
Molecular consequence: missense variant.
Genome position (GRCh38, 1-based): chr10:102,617,342, A>G. VCF-style: chr10-102617342-A-G. GRCh37 (hg19) VCF-style: chr10-104377099-A-G.
Other names: c.1210A>G (NM_016169.3); c.1210A>G, p.Met404Val (NM_001178133.2); short protein forms M404V.
Identifiers: ClinVar variation 1498180 (VCV001498180.9), dbSNP rs1312190379, ClinGen allele CA377915479.

ClinVar aggregate classification (germline): Uncertain significance. Review status: criteria provided, multiple submitters, no conflicts (2 of 4 stars). 2 submissions from 2 submitters: Uncertain significance (2). Last evaluated 2023-10-08.

Conditions:
Hereditary cancer-predisposing syndrome. Also called: Tumor predisposition; Hereditary neoplastic syndrome; Neoplastic Syndromes, Hereditary; Hereditary Cancer Syndrome. Identifiers: Orphanet 140162, MedGen C0027672, MeSH D009386, MONDO:0015356.
Medulloblastoma (MDB). Also called: Medulloblastoma, somatic; MEDULLOBLASTOMA PREDISPOSITION SYNDROME. Identifiers: Orphanet 616, MedGen C0025149, MeSH D008527, MONDO:0007959, OMIM 155255, HP:0002885.
Gorlin syndrome. Also called: Nevoid Basal Cell Carcinoma Syndrome; Basal cell nevus syndrome. Identifiers: Orphanet 377, MedGen C0004779, MONDO:0007187.

Allele frequency attached by ClinVar (database versions not stated): gnomAD exomes below 0.00001.
gnomAD v4.1: 2 of 1,614,224 alleles (0.00012%); highest among the groups gnomAD compares: East Asian, 0.0022%; no homozygotes.

Submissions (2):

Ambry Genetics
Classification: Uncertain significance for Hereditary cancer-predisposing syndrome. Last evaluated: 2023-10-08. Review status: criteria provided, single submitter. Criteria: Ambry Variant Classification Scheme 2023. Collection method: clinical testing. Allele origin: germline.
Comment: The p.M404V variant (also known as c.1210A>G), located in coding exon 10 of the SUFU gene, results from an A to G substitution at nucleotide position 1210. The methionine at codon 404 is replaced by valine, an amino acid with highly similar properties. This amino acid position is conserved. In addition, this alteration is predicted to be tolerated by in silico analysis. Since supporting evidence is limited at this time, the clinical significance of this alteration remains unclear.

Labcorp Genetics (formerly Invitae), Labcorp
Classification: Uncertain significance for Gorlin syndrome; Medulloblastoma. Last evaluated: 2021-04-04. Review status: criteria provided, single submitter. Criteria: Invitae Variant Classification Sherloc (09022015). Collection method: clinical testing. Allele origin: germline.
Comment: In summary, the available evidence is currently insufficient to determine the role of this variant in disease. Therefore, it has been classified as a Variant of Uncertain Significance. Algorithms developed to predict the effect of missense changes on protein structure and function (SIFT, PolyPhen-2, Align-GVGD) all suggest that this variant is likely to be tolerated, but these predictions have not been confirmed by published functional studies and their clinical significance is uncertain. This variant has not been reported in the literature in individuals with SUFU-related conditions. This variant is not present in population databases (ExAC no frequency). This sequence change replaces methionine with valine at codon 404 of the SUFU protein (p.Met404Val). The methionine residue is weakly conserved and there is a small physicochemical difference between methionine and valine.